The following is an entry in ClinVar:

ClinVar aggregate classification (germline): Uncertain significance. Review status: criteria provided, multiple submitters, no conflicts (2 of 4 stars). 2 submissions from 2 submitters: Uncertain significance (2). Last evaluated 2022-09-28.

Conditions:
Hereditary cancer-predisposing syndrome. Also called: Hereditary Cancer Syndrome; Hereditary neoplastic syndrome; Tumor predisposition; Neoplastic Syndromes, Hereditary. Identifiers: Orphanet 140162, MedGen C0027672, MeSH D009386, MONDO:0015356.
Hereditary nonpolyposis colorectal neoplasms. Identifiers: MedGen C0009405, MeSH D003123.

Allele frequency attached by ClinVar (database versions not stated): TOPMed below 0.00001.

Submissions (2):

Ambry Genetics
Classification: Uncertain significance for Hereditary cancer-predisposing syndrome. Last evaluated: 2022-09-28. Review status: criteria provided, single submitter. Criteria: Ambry Variant Classification Scheme 2023. Collection method: clinical testing. Allele origin: germline.
Comment: The p.F363L variant (also known as c.1089T>G), located in coding exon 10 of the PMS2 gene, results from a T to G substitution at nucleotide position 1089. The phenylalanine at codon 363 is replaced by leucine, an amino acid with highly similar properties. This amino acid position is conserved. In addition, the in silico prediction for this alteration is inconclusive. Since supporting evidence is limited at this time, the clinical significance of this alteration remains unclear.

Labcorp Genetics (formerly Invitae), Labcorp
Classification: Uncertain significance for Hereditary nonpolyposis colorectal neoplasms. Last evaluated: 2022-01-19. Review status: criteria provided, single submitter. Criteria: Invitae Variant Classification Sherloc (09022015). Collection method: clinical testing. Allele origin: germline.
Comment: Advanced modeling of protein sequence and biophysical properties (such as structural, functional, and spatial information, amino acid conservation, physicochemical variation, residue mobility, and thermodynamic stability) performed at Invitae indicates that this missense variant is not expected to disrupt PMS2 protein function. This variant has not been reported in the literature in individuals affected with PMS2-related conditions. This variant is not present in population databases (gnomAD no frequency). This sequence change replaces phenylalanine, which is neutral and non-polar, with leucine, which is neutral and non-polar, at codon 363 of the PMS2 protein (p.Phe363Leu). In summary, the available evidence is currently insufficient to determine the role of this variant in disease. Therefore, it has been classified as a Variant of Uncertain Significance.

NM_000535.7(PMS2):c.1089T>G (p.Phe363Leu)

Gene: PMS2 (PMS1 homolog 2, mismatch repair system component; minus strand). Cytogenetic location: 7p22.1.
Variant type: single nucleotide variant.
Coding change: c.1089T>G on transcript NM_000535.7 (MANE Select); coding-DNA position 1089, T replaced by G.
Protein change: p.Phe363Leu; replaces phenylalanine 363 with leucine.
Molecular consequence: missense variant. On other transcripts: non-coding transcript variant (1), intron variant (2).
Genome position (GRCh38, 1-based): chr7:5,989,855, A>C on the plus strand (T>G on the coding strand, the complement: PMS2 is on the minus strand). VCF-style: chr7-5989855-A-C. GRCh37 (hg19) VCF-style: chr7-6029486-A-C.
Other names: c.684T>G, p.Phe228Leu (NM_001018040.1, NM_001322003.2, NM_001322004.2 and 17 more transcripts); c.771T>G, p.Phe257Leu (NM_001322007.2, NM_001322008.2, NM_001406876.1 and 2 more transcripts); c.156T>G, p.Phe52Leu (NM_001322011.2, NM_001322012.2); c.516T>G, p.Phe172Leu (NM_001322013.2, NM_001406909.1); c.1089T>G, p.Phe363Leu (NM_001322014.2, NM_001406871.1, NM_001406872.1); c.780T>G, p.Phe260Leu (NM_001322015.2, NM_001406875.1, NM_001406877.1 and 5 more transcripts); c.1275T>G, p.Phe425Leu (NM_001406866.1); c.1113T>G, p.Phe371Leu (NM_001406868.1); and 9 more; short protein forms F172L, F251L, F371L, F52L, F241L, F260L, F307L, F192L.
Identifiers: ClinVar variation 1788673 (VCV001788673.7), dbSNP rs1330969011, ClinGen allele CA366742832.